The following is an entry in ClinVar:

NM_001754.5(RUNX1):c.451A>G (p.Met151Val)

Genes: RUNX1 (RUNX family transcription factor 1; minus strand), RUNX1-AS1 (RUNX1 antisense RNA 1; plus strand). Cytogenetic location: 21q22.12.
Variant type: single nucleotide variant.
Coding change: c.451A>G on transcript NM_001754.5 (MANE Select); coding-DNA position 451, A replaced by G.
Protein change: p.Met151Val; replaces methionine 151 with valine.
Molecular consequence: missense variant.
Genome position (GRCh38, 1-based): chr21:34,880,614, T>C on the plus strand (A>G on the coding strand, the complement: RUNX1 is on the minus strand). VCF-style: chr21-34880614-T-C. GRCh37 (hg19) VCF-style: chr21-36252911-T-C.
Other names: NM_001754.5(RUNX1):c.451A>G; p.Met151Val; c.451A>G (NM_001754.4); c.370A>G, p.Met124Val (NM_001001890.3, NM_001122607.2); short protein forms M124V, M151V.
Identifiers: ClinVar variation 1437357 (VCV001437357.10), dbSNP rs781461238, ClinGen allele CA10014512.
Genomic context (GRCh38, chr21:34,880,614, plus strand): 5'-TACCTCTTCCACTTCGACCGACAAACCTGAGGTCATTAAATCTTGCAACCTGGTTCTTCA[T>C]GGCTGCGGTAGCATTTCTCAGCTCAGCCGAGTAGTTTTCATCATTGCCAGCCATCACAGT-3'
Protein context (NP_001745.2, residues 141-161): SAELRNATAA[Met151Val]KNQVARFNDL

ClinVar aggregate classification (germline): Uncertain significance. Review status: reviewed by expert panel (3 of 4 stars). 3 submissions from 3 submitters: Uncertain significance (1). 2 of the submissions do not count toward it. Last evaluated 2024-09-16.

Conditions:
Inborn genetic diseases. Identifiers: MedGen C0950123, MeSH D030342.
Hereditary thrombocytopenia and hematological cancer predisposition syndrome associated with RUNX1. Also called: Familial Platelet Disorder with Propensity to Acute Myelogenous Leukemia; Familial thrombocytopenia with propensity to acute myelogenous leukemia; RUNX1 Familial Platelet Disorder with Associated Myeloid Malignancies; PLATELET DISORDER, ASPIRIN-LIKE. Identifiers: Orphanet 71290, MedGen C1832388, MeSH C563324, MONDO:0100083, OMIM 601399.
Hereditary thrombocytopenia and hematologic cancer predisposition syndrome. Identifiers: Orphanet 71290, MedGen CN281654, MONDO:0011071.

Allele frequency attached by ClinVar (database versions not stated): gnomAD exomes below 0.00001; ExAC 0.00001.

Submissions (3):

ClinGen Myeloid Malignancy Variant Curation Expert Panel
Classification: Uncertain significance for Hereditary thrombocytopenia and hematologic cancer predisposition syndrome. Last evaluated: 2024-09-16. Review status: reviewed by expert panel. Criteria: ClinGen MyeloMalig ACMG Specifications v2. Collection method: curation. Allele origin: germline. Inheritance: Autosomal dominant inheritance.
Comment: NM_001754.5(RUNX1):c.451A>G (p.Met151Val) is a missense variant which has a REVEL score ≥ 0.88 (0.907) (PP3). This missense variant is located within the Runt Homology Domain (AA 89-204), but does not occur in an established hotspot residue (PM1_supporting). In summary, the clinical significance of this variant is uncertain. ACMG/AMP criteria applied, as specified by the Myeloid Malignancy Variant Curation Expert Panel for RUNX1: PP3, PM1_supporting.

Labcorp Genetics (formerly Invitae), Labcorp
Classification: Uncertain significance for Hereditary thrombocytopenia and hematological cancer predisposition syndrome associated with RUNX1. Last evaluated: 2025-11-17. Review status: criteria provided, single submitter. Criteria: Invitae Variant Classification Sherloc (09022015). Collection method: clinical testing. Allele origin: germline. Not counted in ClinVar's aggregate classification.
Comment: This sequence change replaces methionine, which is neutral and non-polar, with valine, which is neutral and non-polar, at codon 151 of the RUNX1 protein (p.Met151Val). This variant is present in population databases (rs781461238, gnomAD 0.0009%). This variant has not been reported in the literature in individuals affected with RUNX1-related conditions. ClinVar contains an entry for this variant (Variation ID: 1437357). Invitae Evidence Modeling of protein sequence and biophysical properties (such as structural, functional, and spatial information, amino acid conservation, physicochemical variation, residue mobility, and thermodynamic stability) has been performed for this missense variant. However, the output from this modeling did not meet the statistical confidence thresholds required to predict the impact of this variant on RUNX1 protein function. In summary, the available evidence is currently insufficient to determine the role of this variant in disease. Therefore, it has been classified as a Variant of Uncertain Significance.

Ambry Genetics
Classification: Uncertain significance for Inborn genetic diseases. Last evaluated: 2025-01-05. Review status: criteria provided, single submitter. Criteria: Ambry Variant Classification Scheme 2023. Collection method: clinical testing. Allele origin: germline. Not counted in ClinVar's aggregate classification.
Comment: The p.M151V variant (also known as c.451A>G), located in coding exon 4 of the RUNX1 gene, results from an A to G substitution at nucleotide position 451. The methionine at codon 151 is replaced by valine, an amino acid with highly similar properties. This amino acid position is conserved. In addition, this alteration is predicted to be deleterious by in silico analysis. Based on the available evidence, the clinical significance of this variant remains unclear.